The following is an entry in ClinVar:

ClinVar aggregate classification (germline): Benign/Likely benign. Review status: criteria provided, multiple submitters, no conflicts (2 of 4 stars). 4 submissions from 4 submitters: Benign (1); Likely benign (3). Last evaluated 2025-04-10.

Conditions:
Hereditary cancer-predisposing syndrome. Also called: Tumor predisposition; Neoplastic Syndromes, Hereditary; Hereditary Cancer Syndrome; Hereditary neoplastic syndrome. Identifiers: Orphanet 140162, MedGen C0027672, MeSH D009386, MONDO:0015356.
Tuberous sclerosis 1 (TSC1). Identifiers: Orphanet 805, MedGen C1854465, MONDO:0008612, OMIM 191100.

Allele frequency attached by ClinVar (database versions not stated): gnomAD exomes below 0.00001 and 0.00001.
gnomAD v4.1: 4 of 1,614,212 alleles (0.00025%); highest among the groups gnomAD compares: South Asian, 0.0011%; no homozygotes.

Submissions (4):

Myriad Genetics, Inc.
Classification: Benign for Tuberous sclerosis 1. Last evaluated: 2025-04-10. Review status: criteria provided, single submitter. Criteria: Myriad Autosomal Dominant, Autosomal Recessive and X-Linked Classification Criteria (2023). Collection method: clinical testing. Allele origin: unknown.
Comment: This variant is considered benign. This variant is a silent/synonymous amino acid change and it is not expected to impact splicing.

Labcorp Genetics (formerly Invitae), Labcorp
Classification: Likely benign for Tuberous sclerosis 1. Last evaluated: 2023-12-12. Review status: criteria provided, single submitter. Criteria: Invitae Variant Classification Sherloc (09022015). Collection method: clinical testing. Allele origin: germline.

CeGaT Center for Human Genetics Tuebingen
Classification: Likely benign. Last evaluated: 2023-12-01. Review status: criteria provided, single submitter. Criteria: CeGaT Center For Human Genetics Tuebingen Variant Classification Criteria Version 2. Collection method: clinical testing. Allele origin: germline. Affected: yes. Observed: 1 variant allele.
Comment: TSC1: BP4, BP7

Ambry Genetics
Classification: Likely benign for Hereditary cancer-predisposing syndrome. Last evaluated: 2020-11-03. Review status: criteria provided, single submitter. Criteria: Ambry Variant Classification Scheme 2023. Collection method: clinical testing. Allele origin: germline.

NM_000368.5(TSC1):c.1833A>G (p.Ala611=)

Gene: TSC1 (TSC complex subunit 1; minus strand). Cytogenetic location: 9q34.13.
Variant type: single nucleotide variant.
Coding change: c.1833A>G on transcript NM_000368.5 (MANE Select); coding-DNA position 1833, A replaced by G.
Protein change: p.Ala611=; no amino-acid change (alanine 611 retained).
Molecular consequence: synonymous variant.
Genome position (GRCh38, 1-based): chr9:132,905,745, T>C on the plus strand (A>G on the coding strand, the complement: TSC1 is on the minus strand). VCF-style: chr9-132905745-T-C. GRCh37 (hg19) VCF-style: chr9-135781132-T-C.
Other names: c.1830A>G, p.Ala610= (NM_001162426.2); c.1680A>G, p.Ala560= (NM_001162427.2); c.1470A>G, p.Ala490= (NM_001362177.2).
Identifiers: ClinVar variation 797265 (VCV000797265.36), dbSNP rs1240702401, ClinGen allele CA467813150.